The following is an entry in ClinVar:

NM_000051.4(ATM):c.929G>A (p.Ser310Asn)

Gene: ATM (ATM serine/threonine kinase; plus strand). Cytogenetic location: 11q22.3.
Variant type: single nucleotide variant.
Coding change: c.929G>A on transcript NM_000051.4 (MANE Select); coding-DNA position 929, G replaced by A.
Protein change: p.Ser310Asn; replaces serine 310 with asparagine.
Molecular consequence: missense variant.
Genome position (GRCh38, 1-based): chr11:108,246,991, G>A. VCF-style: chr11-108246991-G-A. GRCh37 (hg19) VCF-style: chr11-108117718-G-A.
Other names: c.929G>A, p.Ser310Asn (NM_001351834.2); short protein forms S310N.
Identifiers: ClinVar variation 859558 (VCV000859558.12), dbSNP rs2079879169, ClinGen allele CA382530674.
Genomic context (GRCh38, chr11:108,246,991, plus strand): 5'-ATAAAAATTACATTTTAATTTTTTGGATTACAGGTGCTTATGAATCAACAAAATGGAGAA[G>A]TATTTTATACAACTTATATGATCTGCTAGTGAATGAGATAAGTCATATAGGAAGTAGAGG-3'
Protein context (NP_000042.3, residues 300-320): KGAYESTKWR[Ser310Asn]ILYNLYDLLV

ClinVar aggregate classification (germline): Uncertain significance. Review status: criteria provided, multiple submitters, no conflicts (2 of 4 stars). 4 submissions from 4 submitters: Uncertain significance (3). 1 of the submissions does not count toward it. Last evaluated 2024-10-28.

Conditions:
Hereditary cancer-predisposing syndrome. Also called: Hereditary neoplastic syndrome; Tumor predisposition; Neoplastic Syndromes, Hereditary; Hereditary Cancer Syndrome. Identifiers: Orphanet 140162, MedGen C0027672, MeSH D009386, MONDO:0015356.
Ataxia-telangiectasia syndrome (AT). Also called: Ataxia telangiectasia (A-T); Cerebello-oculocutaneous telangiectasia; Immunodeficiency with ataxia telangiectasia; AT, COMPLEMENTATION GROUP C; ATAXIA-TELANGIECTASIA, COMPLEMENTATION GROUP A; ATAXIA-TELANGIECTASIA, FRESNO VARIANT. Identifiers: Orphanet 100, MedGen C0004135, MONDO:0008840, OMIM 208900.

Submissions (4):

Ambry Genetics
Classification: Uncertain significance for Hereditary cancer-predisposing syndrome. Last evaluated: 2024-10-28. Review status: criteria provided, single submitter. Criteria: Ambry Variant Classification Scheme 2023. Collection method: clinical testing. Allele origin: germline.
Comment: The p.S310N variant (also known as c.929G>A), located in coding exon 7 of the ATM gene, results from a G to A substitution at nucleotide position 929. The serine at codon 310 is replaced by asparagine, an amino acid with highly similar properties. This amino acid position is conserved. In addition, this alteration is predicted to be tolerated by in silico analysis. Based on the available evidence, the clinical significance of this variant remains unclear.

Institute for Biomarker Research, Medical Diagnostic Laboratories, L.L.C.
Classification: Uncertain significance for Hereditary cancer-predisposing syndrome. Last evaluated: 2023-09-21. Review status: criteria provided, single submitter. Criteria: ACMG Guidelines, 2015. Collection method: clinical testing. Allele origin: germline.

Labcorp Genetics (formerly Invitae), Labcorp
Classification: Uncertain significance for Ataxia-telangiectasia syndrome. Last evaluated: 2021-08-24. Review status: criteria provided, single submitter. Criteria: Invitae Variant Classification Sherloc (09022015). Collection method: clinical testing. Allele origin: germline.
Comment: This sequence change replaces serine with asparagine at codon 310 of the ATM protein (p.Ser310Asn). The serine residue is moderately conserved and there is a small physicochemical difference between serine and asparagine. This variant is not present in population databases (ExAC no frequency). This variant has not been reported in the literature in individuals affected with ATM-related conditions. Algorithms developed to predict the effect of missense changes on protein structure and function (SIFT, PolyPhen-2, Align-GVGD) all suggest that this variant is likely to be tolerated. In summary, the available evidence is currently insufficient to determine the role of this variant in disease. Therefore, it has been classified as a Variant of Uncertain Significance.

Natera, Inc.
Classification: Uncertain significance for Ataxia-telangiectasia. Last evaluated: 2021-02-19. Review status: no assertion criteria provided. Collection method: clinical testing. Allele origin: germline. Not counted in ClinVar's aggregate classification.